The following is an entry in ClinVar:

NM_001374828.1(ARID1B):c.4651A>G (p.Ser1551Gly)

Gene: ARID1B (AT-rich interaction domain 1B; plus strand). Cytogenetic location: 6q25.3.
Variant type: single nucleotide variant.
Coding change: c.4651A>G on transcript NM_001374828.1 (MANE Select); coding-DNA position 4651, A replaced by G.
Protein change: p.Ser1551Gly; replaces serine 1551 with glycine.
Molecular consequence: missense variant.
Genome position (GRCh38, 1-based): chr6:157,200,876, A>G. VCF-style: chr6-157200876-A-G. GRCh37 (hg19) VCF-style: chr6-157522010-A-G.
Other names: c.4402A>G, p.Ser1468Gly (NM_001346813.1); c.2152A>G, p.Ser718Gly (NM_001363725.2); c.4531A>G, p.Ser1511Gly (NM_001371656.1, NM_001374820.1); c.4492A>G, p.Ser1498Gly (NM_017519.3); c.4282A>G, p.Ser1428Gly (NM_020732.3); c.4069A>G, p.Ser1357Gly (NM_175863.2); short protein forms S1357G, S1428G, S1468G, S1498G, S1511G, S1551G, S718G.
Identifiers: ClinVar variation 1710708 (VCV001710708.2), dbSNP rs2538674174, ClinGen allele CA366241128.

ClinVar aggregate classification (germline): Uncertain significance (1 of 4 stars; one submission).

Allele frequency attached by ClinVar (database versions not stated): gnomAD exomes below 0.00001.
gnomAD v4.1: 2 of 1,614,016 alleles (0.00012%); highest among the groups gnomAD compares: East Asian, 0.0022%; no homozygotes.

Submission:

GeneDx
Classification: Uncertain significance. Last evaluated: 2022-04-08. Review status: criteria provided, single submitter. Criteria: GeneDx Variant Classification Process June 2021. Collection method: clinical testing. Allele origin: germline. Affected: yes.
Comment: Not observed at significant frequency in large population cohorts (gnomAD); In silico analysis supports that this missense variant does not alter protein structure/function; Has not been previously published as pathogenic or benign to our knowledge